The following is an entry in ClinVar:

ClinVar aggregate classification (germline): Uncertain significance. Review status: criteria provided, multiple submitters, no conflicts (2 of 4 stars). 2 submissions from 2 submitters: Uncertain significance (2). Last evaluated 2020-12-23.

Conditions:
Noonan syndrome and Noonan-related syndrome. Identifiers: Orphanet 98733, MedGen C5681679, MONDO:0020297.
Cardiovascular phenotype. Identifiers: MedGen CN230736.

Allele frequency attached by ClinVar (database versions not stated): gnomAD exomes below 0.00001 and 0.00001; TOPMed below 0.00001; ExAC 0.00001.
gnomAD v4.1: 5 of 1,613,808 alleles (0.00031%); highest among the groups gnomAD compares: Non-Finnish European, 0.00034%; no homozygotes.

Submissions (2):

Genome Diagnostics Laboratory, The Hospital for Sick Children
Classification: Uncertain significance for Noonan syndrome and Noonan-related syndrome. Last evaluated: 2020-12-23. Review status: criteria provided, single submitter. Criteria: ACMG Guidelines, 2015. Collection method: clinical testing. Allele origin: germline.

Ambry Genetics
Classification: Uncertain significance for Cardiovascular phenotype. Last evaluated: 2016-11-28. Review status: criteria provided, single submitter. Criteria: Ambry Variant Classification Scheme 2023. Collection method: clinical testing. Allele origin: germline.
Comment: The p.A15T variant (also known as c.43G>A), located in coding exon 2 of the SPRED1 gene, results from a G to A substitution at nucleotide position 43. The alanine at codon 15 is replaced by threonine, an amino acid with similar properties. This amino acid position is highly conserved in available vertebrate species. In addition, the in silico prediction for this alteration is inconclusive. Since supporting evidence is limited at this time, the clinical significance of this alteration remains unclear.

NM_152594.3(SPRED1):c.43G>A (p.Ala15Thr)

Gene: SPRED1 (sprouty related EVH1 domain containing 1; plus strand). Cytogenetic location: 15q14.
Variant type: single nucleotide variant.
Coding change: c.43G>A on transcript NM_152594.3 (MANE Select); coding-DNA position 43, G replaced by A.
Protein change: p.Ala15Thr; replaces alanine 15 with threonine.
Molecular consequence: missense variant.
Genome position (GRCh38, 1-based): chr15:38,299,383, G>A. VCF-style: chr15-38299383-G-A. GRCh37 (hg19) VCF-style: chr15-38591584-G-A.
Other names: short protein forms A15T.
Identifiers: ClinVar variation 1334304 (VCV001334304.5), dbSNP rs753924528, ClinGen allele CA7469987.